The following is an entry in ClinVar:

NM_001035.3(RYR2):c.8489A>G (p.Asn2830Ser)

Gene: RYR2 (ryanodine receptor 2; plus strand). Cytogenetic location: 1q43.
Variant type: single nucleotide variant.
Coding change: c.8489A>G on transcript NM_001035.3 (MANE Select); coding-DNA position 8489, A replaced by G.
Protein change: p.Asn2830Ser; replaces asparagine 2830 with serine.
Molecular consequence: missense variant.
Genome position (GRCh38, 1-based): chr1:237,666,564, A>G. VCF-style: chr1-237666564-A-G. GRCh37 (hg19) VCF-style: chr1-237829864-A-G.
Other names: short protein forms N2830S.
Identifiers: ClinVar variation 4744361 (VCV004744361.2).

ClinVar aggregate classification (germline): Uncertain significance. Review status: criteria provided, multiple submitters, no conflicts (2 of 4 stars). 2 submissions from 2 submitters: Uncertain significance (2). Last evaluated 2025-08-15.

Conditions:
Catecholaminergic polymorphic ventricular tachycardia 1. Also called: VENTRICULAR TACHYCARDIA, CATECHOLAMINERGIC POLYMORPHIC, 1, WITH OR WITHOUT ATRIAL DYSFUNCTION AND/OR DILATED CARDIOMYOPATHY; RYR2-Related Catecholaminergic Polymorphic Ventricular Tachycardia; VENTRICULAR TACHYCARDIA, STRESS-INDUCED POLYMORPHIC 1. Identifiers: Orphanet 3286, MedGen C1631597, MONDO:0011484, OMIM 604772.

gnomAD v4.1: 2 of 1,612,790 alleles (0.00012%); highest among the groups gnomAD compares: Non-Finnish European, 0.00017%; no homozygotes.

Submissions (2):

Labcorp Genetics (formerly Invitae), Labcorp
Classification: Uncertain significance for Catecholaminergic polymorphic ventricular tachycardia 1. Last evaluated: 2025-08-15. Review status: criteria provided, single submitter. Criteria: Invitae Variant Classification Sherloc (09022015). Collection method: clinical testing. Allele origin: germline.
Comment: This sequence change replaces asparagine, which is neutral and polar, with serine, which is neutral and polar, at codon 2830 of the RYR2 protein (p.Asn2830Ser). This variant is not present in population databases (gnomAD no frequency). This variant has not been reported in the literature in individuals affected with RYR2-related conditions. Invitae Evidence Modeling of protein sequence and biophysical properties (such as structural, functional, and spatial information, amino acid conservation, physicochemical variation, residue mobility, and thermodynamic stability) indicates that this missense variant is not expected to disrupt RYR2 protein function with a negative predictive value of 95%. In summary, the available evidence is currently insufficient to determine the role of this variant in disease. Therefore, it has been classified as a Variant of Uncertain Significance.

Blueprint Genetics
Classification: Uncertain significance. Last evaluated: 2021-12-02. Review status: criteria provided, single submitter. Criteria: ACMG Guidelines, 2015. Collection method: clinical testing. Allele origin: germline.